The following is an entry in ClinVar:

NM_000310.4(PPT1):c.3G>A (p.Met1Ile)

Gene: PPT1 (palmitoyl-protein thioesterase 1; minus strand). Cytogenetic location: 1p34.2.
Variant type: single nucleotide variant.
Coding change: c.3G>A on transcript NM_000310.4 (MANE Select); coding-DNA position 3, G replaced by A.
Protein change: p.Met1Ile; changes the start codon (methionine 1).
Molecular consequence: missense variant, initiator codon variant.
Genome position (GRCh38, 1-based): chr1:40,097,236, C>T on the plus strand (G>A on the coding strand, the complement: PPT1 is on the minus strand). VCF-style: chr1-40097236-C-T. GRCh37 (hg19) VCF-style: chr1-40562908-C-T.
Other names: c.3G>A, p.Met1Ile (NM_001142604.2, NM_001363695.2); short protein forms M1I.
Identifiers: ClinVar variation 56193 (VCV000056193.23), dbSNP rs386833645, ClinGen allele CA263503.

ClinVar aggregate classification (germline): Pathogenic/Likely pathogenic. Review status: criteria provided, multiple submitters, no conflicts (2 of 4 stars). 8 submissions from 8 submitters: Pathogenic (3); Likely pathogenic (2). 3 of the submissions do not count toward it. Last evaluated 2025-12-22.

Conditions:
Inborn genetic diseases. Identifiers: MedGen C0950123, MeSH D030342.
Neuronal ceroid lipofuscinosis. Also called: Neuronal Ceroid Lipofuscinoses. Identifiers: Orphanet 216, Orphanet 79263, MedGen C0027877, MONDO:0016295. Disease mechanism: loss of function.
Neuronal ceroid lipofuscinosis 1 (CLN1). Also called: PPT1-Related Neuronal Ceroid-Lipofuscinosis; CEROID LIPOFUSCINOSIS, NEURONAL, 1, VARIABLE AGE AT ONSET. Identifiers: Orphanet 228329, MedGen C1850451, MONDO:0009744, OMIM 256730.

Allele frequency attached by ClinVar (database versions not stated): gnomAD exomes below 0.00001; gnomAD 0.00001; TOPMed 0.00003.

Submissions (8):

Myriad Genetics, Inc.
Classification: Likely pathogenic for Neuronal ceroid lipofuscinosis 1. Last evaluated: 2025-12-22. Review status: criteria provided, single submitter. Criteria: Myriad Autosomal Dominant, Autosomal Recessive and X-Linked Classification Criteria (2023). Collection method: clinical testing. Allele origin: unknown.
Comment: NM_000310.3(PPT1):c.3G>A(M1?) is an initiation codon variant classified as likely pathogenic in the context of neuronal ceroid lipofuscinosis, PPT1-related. M1? has been observed in cases with relevant disease (PMID: 9664077). Relevant functional assessments of this variant are available in the literature (PMID: 11440996, 17565660). M1? has not been observed in referenced population frequency databases. In summary, NM_000310.3(PPT1):c.3G>A(M1?) is an initiation codon variant that has functional support for pathogenicity and has been observed more frequently in cases with the relevant disease than in healthy populations. Please note: this variant was assessed in the context of healthy population screening.

Labcorp Genetics (formerly Invitae), Labcorp
Classification: Pathogenic for Neuronal ceroid lipofuscinosis 1. Last evaluated: 2025-11-07. Review status: criteria provided, single submitter. Criteria: Invitae Variant Classification Sherloc (09022015). Collection method: clinical testing. Allele origin: germline.
Comment: This sequence change affects the initiator codon of the PPT1 mRNA. This change may impact translation initiation or efficiency. The next in-frame methionine is located at codon 41. This variant is not present in population databases (gnomAD no frequency). Disruption of the initiator codon has been observed in individual(s) with neuronal ceroid lipofuscinosis (PMID: 9664077, 11073228, 11440996). ClinVar contains an entry for this variant (Variation ID: 56193). Algorithms developed to predict the effect of variants on gene product structure and function are not available or were not evaluated for this variant. Experimental studies have shown that disruption of the initiator codon affects PPT1 function (PMID: 11440996). For these reasons, this variant has been classified as Pathogenic.

GeneDx
Classification: Likely pathogenic. Last evaluated: 2025-07-26. Review status: criteria provided, single submitter. Criteria: GeneDx Variant Classification Process June 2021. Collection method: clinical testing. Allele origin: germline. Affected: yes.
Comment: Published functional studies demonstrate a damaging effect suggesting a partial defect in protein expression (PMID: 17565660); Not observed at significant frequency in large population cohorts (gnomAD); This variant is associated with the following publications: (PMID: 10191107, 33561134, 11440996, 29631617, 11073228, 17565660, 9664077)

Women's Health and Genetics/Laboratory Corporation of America, LabCorp
Classification: Pathogenic for Neuronal ceroid lipofuscinosis. Last evaluated: 2023-03-31. Review status: criteria provided, single submitter. Criteria: LabCorp Variant Classification Summary - May 2015. Collection method: clinical testing. Allele origin: germline.
Comment: Variant summary: PPT1 c.3G>A (p.Met1Ile) alters the initiation codon and is predicted to result either in absence of the protein or truncation of the encoded protein due to translation initiation at a downstream codon. Two of four in-silico tools predict a benign effect of the variant on protein function. The variant was absent in 247912 control chromosomes (gnomAD, v2). c.3G>A has been reported in the literature in at least three individuals affected with late-infantile or juvenile-onset Neuronal Ceroid-Lipofuscinosis (Batten Disease) (Das_1998, Hofmann_1999). These data indicate that the variant is likely to be associated with disease. Publications also reported experimental evidence evaluating an impact on protein function, and demonstrated a greatly reduced protein expression, with a largely preserved specific activity in transfected cells, which was in accordance with the significantly reduced enzyme activity in patient derived cell lines (Das_2001, Lyly_2007, Sima_2018). Three clinical diagnostic laboratories have submitted clinical-significance assessments for this variant to ClinVar after 2014 and classified the variant as pathogenic/likely pathogenic. Based on the evidence outlined above, the variant was classified as pathogenic.

Ambry Genetics
Classification: Pathogenic for Inborn genetic diseases. Last evaluated: 2021-03-08. Review status: criteria provided, single submitter. Criteria: Ambry Variant Classification Scheme 2023. Collection method: clinical testing. Allele origin: germline.
Comment: The c.3G>A (p.M1?) alteration is located in coding exon 1 of the PPT1 gene and results from a G to A substitution at nucleotide position 1. This alters the methionine residue at the initiation codon (ATG). Sequence variations that modify the initiation codon are expected to result in either loss of translation initiation, N-terminal truncation, or cause a shift in the mRNA reading frame. This mutation was identified in two individuals with neuronal ceroid lipofuscinosis in conjunction with a second PPT1 variant (Das, 1998). Based on the available evidence, this alteration is classified as pathogenic.

Counsyl
Classification: Likely pathogenic for Ceroid lipofuscinosis neuronal 1. Last evaluated: 2014-09-08. Review status: no assertion criteria provided. Collection method: literature only. Allele origin: unknown. Inheritance: Autosomal recessive inheritance. Not counted in ClinVar's aggregate classification.

Juha Muilu Group; Institute for Molecular Medicine Finland (FIMM)
Classification: Likely pathogenic for Ceroid lipofuscinosis neuronal 1. Review status: no assertion criteria provided. Collection method: not provided. Allele origin: unknown. Not counted in ClinVar's aggregate classification.
Comment: FinDis database variant: This variant was not found or characterized by our laboratory, data were collected from public sources: see reference
ClinVar note: Converted during submission from probable-pathogenic to Likely pathogenic.

Laboratory of Genetics in Ophthalmology, Institut Imagine
Classification: Pathogenic for Neuronal ceroid lipofuscinosis 1. Review status: no assertion criteria provided. Collection method: research. Allele origin: inherited. Affected: yes. Observed: 2 variant alleles. Not counted in ClinVar's aggregate classification.

Literature cited by the submitters: PubMed 11440996 (cited by 4 submitters); PubMed 17565660 (cited by 3 submitters); PubMed 9664077 (cited by 6 submitters); PubMed 11073228 (cited by Labcorp Genetics (formerly Invitae), Labcorp and Women's Health and Genetics/Laboratory Corporation of America, LabCorp); PubMed 10477428 (cited by Women's Health and Genetics/Laboratory Corporation of America, LabCorp); PubMed 21990111 (cited by Women's Health and Genetics/Laboratory Corporation of America, LabCorp); PubMed 10191107 (cited by Women's Health and Genetics/Laboratory Corporation of America, LabCorp); PubMed 15965709 (cited by Women's Health and Genetics/Laboratory Corporation of America, LabCorp); PubMed 29631617 (cited by Women's Health and Genetics/Laboratory Corporation of America, LabCorp); PubMed 11332767 (cited by Women's Health and Genetics/Laboratory Corporation of America, LabCorp); PubMed 11001811 (cited by Women's Health and Genetics/Laboratory Corporation of America, LabCorp); PubMed 33561134 (cited by Women's Health and Genetics/Laboratory Corporation of America, LabCorp); PubMed 2538469 (cited by Counsyl).